The following is an entry in ClinVar:

ClinVar aggregate classification (germline): Uncertain significance. Review status: criteria provided, multiple submitters, no conflicts (2 of 4 stars). 2 submissions from 2 submitters: Uncertain significance (2). Last evaluated 2024-10-30.

Conditions:
Inborn genetic diseases. Identifiers: MedGen C0950123, MeSH D030342.

Allele frequency attached by ClinVar (database versions not stated): ExAC 0.00001; gnomAD exomes 0.00002 and 0.00012; gnomAD 0.00003; TOPMed 0.00004.
gnomAD v4.1: 173 of 1,614,056 alleles (0.011%); highest among the groups gnomAD compares: Non-Finnish European, 0.014%; no homozygotes.

Submissions (2):

Ambry Genetics
Classification: Uncertain significance for Inborn genetic diseases. Last evaluated: 2024-10-30. Review status: criteria provided, single submitter. Criteria: Ambry Variant Classification Scheme 2023. Collection method: clinical testing. Allele origin: germline.

Labcorp Genetics (formerly Invitae), Labcorp
Classification: Uncertain significance. Last evaluated: 2022-03-15. Review status: criteria provided, single submitter. Criteria: Invitae Variant Classification Sherloc (09022015). Collection method: clinical testing. Allele origin: germline.
Comment: This sequence change replaces threonine, which is neutral and polar, with alanine, which is neutral and non-polar, at codon 138 of the C1QA protein (p.Thr138Ala). This variant is present in population databases (rs760737669, gnomAD 0.004%). This variant has not been reported in the literature in individuals affected with C1QA-related conditions. Algorithms developed to predict the effect of missense changes on protein structure and function are either unavailable or do not agree on the potential impact of this missense change (SIFT: "Deleterious"; PolyPhen-2: "Possibly Damaging"; Align-GVGD: "Class C0"). In summary, the available evidence is currently insufficient to determine the role of this variant in disease. Therefore, it has been classified as a Variant of Uncertain Significance.

NM_015991.4(C1QA):c.412A>G (p.Thr138Ala)

Gene: C1QA (complement C1q A chain; plus strand). Cytogenetic location: 1p36.12.
Variant type: single nucleotide variant.
Coding change: c.412A>G on transcript NM_015991.4 (MANE Select); coding-DNA position 412, A replaced by G.
Protein change: p.Thr138Ala; replaces threonine 138 with alanine.
Molecular consequence: missense variant.
Genome position (GRCh38, 1-based): chr1:22,639,081, A>G. VCF-style: chr1-22639081-A-G. GRCh37 (hg19) VCF-style: chr1-22965574-A-G.
Other names: c.412A>G, p.Thr138Ala (NM_001347465.2, NM_001347466.2); c.412A>G (NM_015991.2); short protein forms T138A.
Identifiers: ClinVar variation 1424976 (VCV001424976.4), dbSNP rs760737669, ClinGen allele CA677783.
Genomic context (GRCh38, chr1:22,639,081, plus strand): 5'-TCCGCCATTCGGCGGAACCCCCCAATGGGGGGCAACGTGGTCATCTTCGACACGGTCATC[A>G]CCAACCAGGAAGAACCGTACCAGAACCACTCCGGCCGATTCGTCTGCACTGTACCCGGCT-3'
Protein context (NP_057075.1, residues 128-148): GNVVIFDTVI[Thr138Ala]NQEEPYQNHS